The following is an entry in ClinVar:

ClinVar aggregate classification (germline): Uncertain significance. Review status: criteria provided, multiple submitters, no conflicts (2 of 4 stars). 4 submissions from 4 submitters: Uncertain significance (4). Last evaluated 2026-08-11.

Conditions:
DHX30-related disorder. Also called: DHX30-related condition.
Inborn genetic diseases. Identifiers: MedGen C0950123, MeSH D030342.
Neurodevelopmental disorder with severe motor impairment and absent language. Also called: NEURODEVELOPMENTAL DISORDER WITH VARIABLE MOTOR AND LANGUAGE IMPAIRMENT. Identifiers: Orphanet 647788, MedGen C4540496, MONDO:0060622, OMIM 617804.

Allele frequency attached by ClinVar (database versions not stated): gnomAD exomes below 0.00001; TOPMed 0.00001.
gnomAD v4.1: 1 of 1,608,176 alleles (0.000062%); highest among the groups gnomAD compares: Non-Finnish European, 0.000085%; no homozygotes.

Submissions (4):

PreventionGenetics, part of Exact Sciences
Classification: Uncertain significance for DHX30-related condition. Last evaluated: 2026-08-11. Review status: criteria provided, single submitter. Criteria: ACMG Guidelines, 2015. Collection method: clinical testing. Allele origin: germline.
Comment: The DHX30 c.2099T>G variant is predicted to result in the amino acid substitution p.Leu700Arg. To our knowledge, this variant has not been reported in the literature or in a large population database (gnomAD), indicating this variant is rare. At this time, the clinical significance of this variant is uncertain due to the absence of conclusive functional and genetic evidence.

Ambry Genetics
Classification: Uncertain significance for Inborn genetic diseases. Last evaluated: 2025-06-06. Review status: criteria provided, single submitter. Criteria: Ambry Variant Classification Scheme 2023. Collection method: clinical testing. Allele origin: germline.

New York Genome Center
Classification: Uncertain significance for Neurodevelopmental disorder with severe motor impairment and absent language. Last evaluated: 2020-06-05. Review status: criteria provided, single submitter. Criteria: NYGC Assertion Criteria 2020. Collection method: clinical testing. Allele origin: inherited. Observed: 1 heterozygote. Study: CSER-NYCKidSeq.
Comment: The inherited heterozygous p.Leu700Arg missense identified in the DHX30 gene has not been reported in affected individuals in the literature to the best of our knowledge. This variant is absent from the gnomAD(v3.0) database indicating that it is an extremely rare allele in the general population. The variant affects an evolutionarily conserved residue and is predicted deleterious by multiple in silico prediction tools (CADD score = 26.2, REVEL score = 0.58). Functional studies to evaluate potential pathogenicity of this variant have not been reported in the literature. Based on the available evidence, the inherited p.Leu700Arg variant identified in the DHX30 gene is reported as a variant of uncertain significance.

GeneDx
Classification: Uncertain significance. Last evaluated: 2019-05-24. Review status: criteria provided, single submitter. Criteria: GeneDx Variant Classification Process June 2021. Collection method: clinical testing. Allele origin: germline. Affected: yes.
Comment: Not observed in large population cohorts (Lek et al., 2016); In silico analysis, which includes protein predictors and evolutionary conservation, supports a deleterious effect; Has not been previously published as pathogenic or benign to our knowledge

NM_138615.3(DHX30):c.2099T>G (p.Leu700Arg)

Gene: DHX30 (DExH-box helicase 30; plus strand). Cytogenetic location: 3p21.31.
Variant type: single nucleotide variant.
Coding change: c.2099T>G on transcript NM_138615.3 (MANE Select); coding-DNA position 2099, T replaced by G.
Protein change: p.Leu700Arg; replaces leucine 700 with arginine.
Molecular consequence: missense variant.
Genome position (GRCh38, 1-based): chr3:47,847,525, T>G. VCF-style: chr3-47847525-T-G. GRCh37 (hg19) VCF-style: chr3-47889015-T-G.
Other names: c.2015T>G, p.Leu672Arg (NM_001330990.2); c.1982T>G, p.Leu661Arg (NM_014966.4); short protein forms L661R, L672R, L700R.
Identifiers: ClinVar variation 1305752 (VCV001305752.5), dbSNP rs2037670513, ClinGen allele CA352588298.
Genomic context (GRCh38, chr3:47,847,525, plus strand): 5'-AGATCAAAGGAGTGCAGCAGCGCCTCCAGGAGGCCCTGGGCATGCACGAGAGCAAGTACC[T>G]CATCCTGCCAGGTGAGAGCCCCGGCGGAGGGACCAGGGACCTTTGGAAACCAGCCTGACC-3'
Protein context (NP_619520.1, residues 690-710): EALGMHESKY[Leu700Arg]ILPVHSNIPM